The following is an entry in ClinVar:

NM_001271.4(CHD2):c.5384CTC[1] (p.Pro1796del)

Gene: CHD2 (chromodomain helicase DNA binding protein 2; plus strand). Cytogenetic location: 15q26.1.
Variant type: Microsatellite.
Coding change: c.5384CTC[1] on transcript NM_001271.4 (MANE Select); one copy of the 3-base unit CTC starting at c.5384; the reference has two copies in a row; one copy, 3 bases deleted.
Protein change: p.Pro1796del; deletes proline 1796.
Molecular consequence: inframe deletion.
Genome position (GRCh38, 1-based): chr15:93,024,605-93,024,607, CTC deleted; deleting any 3 consecutive bases within chr15:93,024,602-93,024,607 gives the same sequence; the position shown is the placement nearest the transcript's 3' end. VCF-style (leftmost placement, unchanged base first): chr15-93024601-TCTC-T. GRCh37 (hg19) VCF-style: chr15-93567831-TCTC-T.
Other names: short protein forms P1796del.
Identifiers: ClinVar variation 1016637 (VCV001016637.9), dbSNP rs757944116, ClinGen allele CA7748735.

ClinVar aggregate classification (germline): Uncertain significance (1 of 4 stars; one submission).

Conditions:
Developmental and epileptic encephalopathy 94 (DEE94). Also called: CHD2-Related Neurodevelopmental Disorders; Epileptic encephalopathy, childhood-onset. Identifiers: Orphanet 1942, Orphanet 2382, MedGen C3809278, MONDO:0014150, OMIM 615369.

Submission:

Labcorp Genetics (formerly Invitae), Labcorp
Classification: Uncertain significance for Developmental and epileptic encephalopathy 94. Last evaluated: 2024-07-31. Review status: criteria provided, single submitter. Criteria: Invitae Variant Classification Sherloc (09022015). Collection method: clinical testing. Allele origin: germline.
Comment: This variant, c.5387_5389del, results in the deletion of 1 amino acid(s) of the CHD2 protein (p.Pro1796del), but otherwise preserves the integrity of the reading frame. This variant is present in population databases (rs757944116, gnomAD 0.004%). This variant has not been reported in the literature in individuals affected with CHD2-related conditions. Experimental studies and prediction algorithms are not available or were not evaluated, and the functional significance of this variant is currently unknown. In summary, the available evidence is currently insufficient to determine the role of this variant in disease. Therefore, it has been classified as a Variant of Uncertain Significance.